The following is an entry in ClinVar:

ClinVar aggregate classification (germline): Uncertain significance (1 of 4 stars; one submission).

Submission:

Dasa
Classification: Uncertain significance. Last evaluated: 2024-10-11. Review status: criteria provided, single submitter. Criteria: DASA Assertion Criteria. Collection method: clinical testing. Allele origin: germline.
Comment: NM_001256789.3(CACNA1F):c.1534C>A (p.Arg512Ser) is a missense variant that results in the substitution of arginine with serine. This variant is absent from population databases. Computational prediction algorithms are consistent with a deleterious effect. The currently available literature and clinical evidence are not sufficient to establish a definitive association between this variant and the reported condition. Therefore, this variant is classified as a variant of uncertain significance.

NM_001256789.3(CACNA1F):c.1534C>A (p.Arg512Ser)

Gene: CACNA1F (calcium voltage-gated channel subunit alpha1 F; minus strand). Cytogenetic location: Xp11.23.
Variant type: single nucleotide variant.
Coding change: c.1534C>A on transcript NM_001256789.3 (MANE Select); coding-DNA position 1534, C replaced by A.
Protein change: p.Arg512Ser; replaces arginine 512 with serine.
Molecular consequence: missense variant.
Genome position (GRCh38, 1-based): chrX:49,226,026, G>T on the plus strand (C>A on the coding strand, the complement: CACNA1F is on the minus strand). VCF-style: chrX-49226026-G-T. GRCh37 (hg19) VCF-style: chrX-49082488-G-T.
Other names: c.1372C>A, p.Arg458Ser (NM_001256790.3); c.1567C>A, p.Arg523Ser (NM_005183.4); short protein forms R458S, R512S, R523S.
Identifiers: ClinVar variation 4885509 (VCV004885509.2).